The following is an entry in ClinVar:

NM_024741.3(ZNF408):c.2041A>G (p.Ser681Gly)

Gene: ZNF408 (zinc finger protein 408; plus strand). Cytogenetic location: 11p11.2.
Variant type: single nucleotide variant.
Coding change: c.2041A>G on transcript NM_024741.3 (MANE Select); coding-DNA position 2041, A replaced by G.
Protein change: p.Ser681Gly; replaces serine 681 with glycine.
Molecular consequence: missense variant.
Genome position (GRCh38, 1-based): chr11:46,705,741, A>G. VCF-style: chr11-46705741-A-G. GRCh37 (hg19) VCF-style: chr11-46727291-A-G.
Other names: c.2017A>G, p.Ser673Gly (NM_001184751.2); short protein forms S673G, S681G.
Identifiers: ClinVar variation 2985047 (VCV002985047.3), dbSNP rs2064747818, ClinGen allele CA380258057.

ClinVar aggregate classification (germline): Uncertain significance (1 of 4 stars; one submission).

Submission:

Labcorp Genetics (formerly Invitae), Labcorp
Classification: Uncertain significance. Last evaluated: 2023-10-04. Review status: criteria provided, single submitter. Criteria: Invitae Variant Classification Sherloc (09022015). Collection method: clinical testing. Allele origin: germline.
Comment: This sequence change replaces serine, which is neutral and polar, with glycine, which is neutral and non-polar, at codon 681 of the ZNF408 protein (p.Ser681Gly). This variant is not present in population databases (gnomAD no frequency). This variant has not been reported in the literature in individuals affected with ZNF408-related conditions. Algorithms developed to predict the effect of missense changes on protein structure and function output the following: SIFT: "Not Available"; PolyPhen-2: "Benign"; Align-GVGD: "Not Available". The glycine amino acid residue is found in multiple mammalian species, which suggests that this missense change does not adversely affect protein function. In summary, the available evidence is currently insufficient to determine the role of this variant in disease. Therefore, it has been classified as a Variant of Uncertain Significance.